The following is an entry in ClinVar:

ClinVar aggregate classification (germline): Pathogenic. Review status: criteria provided, multiple submitters, no conflicts (2 of 4 stars). 3 submissions from 3 submitters: Pathogenic (3). Last evaluated 2025-05-28.

Conditions:
Neurofibromatosis, type 1 (NF1). Also called: Neurofibromatosis, type I; NEUROFIBROMATOSIS, TYPE I, SOMATIC; Peripheral type neurofibromatosis; VON RECKLINGHAUSEN DISEASE. Identifiers: Orphanet 636, MedGen C0027831, MONDO:0018975, OMIM 162200. Disease mechanism: loss of function.

Submissions (3):

GeneDx
Classification: Pathogenic. Last evaluated: 2025-05-28. Review status: criteria provided, single submitter. Criteria: GeneDx Variant Classification Process June 2021. Collection method: clinical testing. Allele origin: germline. Affected: yes.
Comment: Frameshift variant predicted to result in protein truncation or nonsense mediated decay in a gene for which loss of function is a known mechanism of disease; Not observed at significant frequency in large population cohorts (gnomAD); Has not been previously published as pathogenic or benign to our knowledge

Department of Pathology and Laboratory Medicine, Sinai Health System
Classification: Pathogenic for neurofibromatosis type 1. Last evaluated: 2023-05-08. Review status: criteria provided, single submitter. Criteria: ACMG Guidelines, 2015. Collection method: clinical testing. Allele origin: germline.

Labcorp Genetics (formerly Invitae), Labcorp
Classification: Pathogenic for Neurofibromatosis, type 1. Last evaluated: 2022-11-01. Review status: criteria provided, single submitter. Criteria: Invitae Variant Classification Sherloc (09022015). Collection method: clinical testing. Allele origin: germline.
Comment: For these reasons, this variant has been classified as Pathogenic. ClinVar contains an entry for this variant (Variation ID: 404582). This variant has not been reported in the literature in individuals affected with NF1-related conditions. This variant is not present in population databases (gnomAD no frequency). This sequence change creates a premature translational stop signal (p.Leu691Cysfs*57) in the NF1 gene. It is expected to result in an absent or disrupted protein product. Loss-of-function variants in NF1 are known to be pathogenic (PMID: 10712197, 23913538).

Literature cited by the submitters: PubMed 10712197 (cited by Labcorp Genetics (formerly Invitae), Labcorp); PubMed 23913538 (cited by Labcorp Genetics (formerly Invitae), Labcorp).

NM_001042492.3(NF1):c.2071del (p.Leu691fs)

Gene: NF1 (neurofibromin 1; plus strand). Cytogenetic location: 17q11.2.
Variant type: Deletion.
Coding change: c.2071del on transcript NM_001042492.3 (MANE Select); coding-DNA position 2071, one base deleted (C; older notation c.2071delC).
Protein change: p.Leu691fs; shifts the reading frame from leucine 691.
Molecular consequence: frameshift variant.
Genome position (GRCh38, 1-based): chr17:31,226,504, C deleted; the last of 3 consecutive C bases (chr17:31,226,502-31,226,504); deleting any one gives the same sequence. VCF-style (leftmost placement, unchanged base first): chr17-31226501-GC-G. GRCh37 (hg19) VCF-style: chr17-29553519-GC-G.
Other names: c.2071delC (NM_000267.3); c.2071delC, p.Leu691Cysfs (NM_000267.4); short protein forms L691fs.
Identifiers: ClinVar variation 404582 (VCV000404582.7), dbSNP rs1060500364, ClinGen allele CA16615455.